The following is an entry in ClinVar:

NM_004036.5(ADCY3):c.1355+9C>T

Gene: ADCY3 (adenylate cyclase 3; minus strand). Cytogenetic location: 2p23.3.
Variant type: single nucleotide variant.
Coding change: c.1355+9C>T on transcript NM_004036.5 (MANE Select); 9 bases into the intron after coding-DNA position 1355, C replaced by T.
Molecular consequence: intron variant.
Genome position (GRCh38, 1-based): chr2:24,839,864, G>A on the plus strand (C>T on the coding strand, the complement: ADCY3 is on the minus strand). VCF-style: chr2-24839864-G-A. GRCh37 (hg19) VCF-style: chr2-25062733-G-A.
Other names: c.1355+9C>T (NM_001377130.1, NM_001377129.1, NM_001320613.2 and 2 more transcripts); c.632+9C>T (NM_001377131.1).
Identifiers: ClinVar variation 3036259 (VCV003036259.2), dbSNP rs752659051, ClinGen allele CA1554212.

ClinVar aggregate classification (germline): Likely benign (0 of 4 stars; one submission).

Conditions:
ADCY3-related disorder. Also called: ADCY3-related condition.

Allele frequency attached by ClinVar (database versions not stated): ExAC 0.00001; gnomAD exomes 0.00001; TOPMed 0.00003.
gnomAD v4.1: 5 of 1,613,762 alleles (0.00031%); highest among the groups gnomAD compares: Admixed American, 0.005%; no homozygotes.

Submission:

PreventionGenetics, part of Exact Sciences
Classification: Likely benign for ADCY3-related condition. Last evaluated: 2021-05-20. Review status: no assertion criteria provided. Collection method: clinical testing. Allele origin: germline.
Comment: This variant is classified as likely benign based on ACMG/AMP sequence variant interpretation guidelines (Richards et al. 2015 PMID: 25741868, with internal and published modifications).